The following is an entry in ClinVar:

NM_014712.3(SETD1A):c.217_218del (p.Asp73fs)

Gene: SETD1A (SET domain containing 1A, histone lysine methyltransferase; plus strand). Cytogenetic location: 16p11.2.
Variant type: Microsatellite.
Coding change: c.217_218del on transcript NM_014712.3 (MANE Select); coding-DNA positions 217 to 218, 2 bases deleted (GA; older notation c.217_218delGA).
Protein change: p.Asp73fs; shifts the reading frame from aspartic acid 73.
Molecular consequence: frameshift variant.
Genome position (GRCh38, 1-based): chr16:30,959,157-30,959,158, GA deleted; deleting any 2 consecutive bases within chr16:30,959,154-30,959,158 gives the same sequence; the c. name uses the placement nearest the transcript's 3' end. VCF-style (leftmost placement, unchanged base first): chr16-30959153-CAG-C. GRCh37 (hg19) VCF-style: chr16-30970474-CAG-C.
Other names: short protein forms D73fs.
Identifiers: ClinVar variation 4879629 (VCV004879629.1).

ClinVar aggregate classification (germline): Pathogenic (1 of 4 stars; one submission).

Conditions:
Neurodevelopmental disorder with speech impairment and dysmorphic facies. Identifiers: MedGen C5436699, MONDO:0033630, OMIM 619056.

Submission:

Victorian Clinical Genetics Services, Murdoch Childrens Research Institute
Classification: Pathogenic for Neurodevelopmental disorder with speech impairment and dysmorphic facies. Last evaluated: 2026-07-21. Review status: criteria provided, single submitter. Criteria: ACMG Guidelines, 2015. Collection method: clinical testing. Allele origin: germline. Affected: yes.
Comment: This variant is classified as Pathogenic. Evidence in support of pathogenic classification: This variant is predicted to cause nonsense-mediated decay (NMD) and loss of protein (premature termination codon is located at least 54 nucleotides upstream of the final exon-exon junction); This variant is absent from gnomAD v4; Other variants comparable to the one identified in this case have very strong previous evidence for pathogenicity (DECIPHER); Additional information: This variant is heterozygous; This gene is associated with autosomal dominant disease; Loss of function is a known mechanism of disease in this gene and is associated with neurodevelopmental disorder with speech impairment and dysmorphic facies (MIM#619056), whereas the mechanism is unknown for early onset epilepsy with or without developmental delay (MIM#619056); Variants in this gene are known to have variable expressivity. Individuals reported present with variable features and severity (OMIM; PMIDs: 32346159, 36117209, 40225914).

Literature cited by the submitters: PubMed 40225914; PubMed 32346159; PubMed 36117209.